The following is an entry in ClinVar:

NM_001206671.4(RIC3):c.245dup (p.Gly83fs)

Gene: RIC3 (RIC3 acetylcholine receptor chaperone; minus strand). Cytogenetic location: 11p15.4.
Variant type: Duplication.
Coding change: c.245dup on transcript NM_001206671.4 (MANE Select); coding-DNA position 245, one base duplicated (C; older notation c.245dupC).
Protein change: p.Gly83fs; shifts the reading frame from glycine 83.
Molecular consequence: frameshift variant. On other transcripts: 5 prime UTR variant (1), non-coding transcript variant (2), intron variant (1).
Genome position (GRCh38, 1-based): chr11:8,140,073, G duplicated on the plus strand (C on the coding strand, the reverse complement: RIC3 is on the minus strand). VCF-style (leftmost placement, unchanged base first): chr11-8140072-T-TG. GRCh37 (hg19) VCF-style: chr11-8161619-T-TG.
Other names: p.Gly83Argfs*9; c.245dup, p.Gly83fs (NM_001206672.4, NM_001346691.2, NM_024557.6); c.-375dup (NM_001346690.2); c.98dup, p.Gly34fs (NM_001346692.2, NM_001346693.2, NM_001346694.2); c.124+28793dup (NM_001135109.4); short protein forms G34fs, G83fs.
Identifiers: ClinVar variation 2683135 (VCV002683135.1), dbSNP rs2540003908, ClinGen allele CA2697548425.
Genomic context (GRCh38, chr11:8,140,072, plus strand): 5'-GATTGGAATAATCTGCCCCATCAGACCTCTTCCACTACCTCCTCCTCCAGCACCTCCACC[T>TG]GATCCTTTGGCCTTTGCAAATGCCTCGGCAAGGTGAGACCTCTGGAAACGAGCCCCAGGA-3'

ClinVar aggregate classification (germline): Uncertain significance (1 of 4 stars; one submission).

Submission:

Mayo Clinic Laboratories, Mayo Clinic
Classification: Uncertain significance. Last evaluated: 2023-05-03. Review status: criteria provided, single submitter. Criteria: ACMG Guidelines, 2015. Collection method: clinical testing. Allele origin: germline. Observed: 1 variant allele.
Comment: PM2